The following is an entry in ClinVar:

NM_005475.3(SH2B3):c.953A>G (p.His318Arg)

Gene: SH2B3 (SH2B adaptor protein 3; plus strand). Cytogenetic location: 12q24.12.
Variant type: single nucleotide variant.
Coding change: c.953A>G on transcript NM_005475.3 (MANE Select); coding-DNA position 953, A replaced by G.
Protein change: p.His318Arg; replaces histidine 318 with arginine.
Molecular consequence: missense variant.
Genome position (GRCh38, 1-based): chr12:111,447,151, A>G. VCF-style: chr12-111447151-A-G. GRCh37 (hg19) VCF-style: chr12-111884955-A-G.
Other names: c.347A>G, p.His116Arg (NM_001291424.1); short protein forms H318R, H116R.
Identifiers: ClinVar variation 4630748 (VCV004630748.1).

ClinVar aggregate classification (germline): Uncertain significance (1 of 4 stars; one submission).

Conditions:
Inborn genetic diseases. Identifiers: MedGen C0950123, MeSH D030342.

gnomAD v4.1: 1 of 1,614,062 alleles (0.000062%); highest among the groups gnomAD compares: South Asian, 0.0011%; no homozygotes.

Submission:

Ambry Genetics
Classification: Uncertain significance for Inborn genetic diseases. Last evaluated: 2025-11-08. Review status: criteria provided, single submitter. Criteria: Ambry Variant Classification Scheme 2023. Collection method: clinical testing. Allele origin: germline.
Comment: The p.H318R variant (also known as c.953A>G), located in coding exon 4 of the SH2B3 gene, results from an A to G substitution at nucleotide position 953. The histidine at codon 318 is replaced by arginine, an amino acid with highly similar properties. This amino acid position is conserved. In addition, this alteration is predicted to be tolerated by in silico analysis. Based on the available evidence, the clinical significance of this variant remains unclear.